The following continues an entry in ClinVar:

NM_000257.4(MYH7):c.2585C>T (p.Ala862Val)

ClinVar aggregate classification (germline): Uncertain significance. Uncertain significance (9).

Submissions 9 to 10 of 10:

Women's Health and Genetics/Laboratory Corporation of America, LabCorp
Classification: Uncertain significance. Last evaluated: 2016-06-01. Review status: criteria provided, single submitter. Criteria: LabCorp Variant Classification Summary - May 2015. Collection method: clinical testing. Allele origin: germline.
Comment: Variant summary: The MYH7 c.2585C>T (p.Ala862Val) variant involves the alteration of a non-conserved nucleotide. 4/5 in silico tools predict a damaging outcome. This variant was found in 4/121402 control chromosomes at a frequency of 0.000033, which does not exceed the estimated maximal expected allele frequency of a pathogenic MYH7 variant (0.0010005). The variant was reported in an HCM-affected individual in the literature, without strong evidence for causality (Santos_2012). Because of the limited clinical information and the lack of functional studies, the variant was classified as a variant of uncertain significance (VUS) until additional information becomes available.

Agnes Ginges Centre for Molecular Cardiology, Centenary Institute
Classification: Uncertain significance for Hypertrophic cardiomyopathy. Last evaluated: 2019-02-04. Review status: no assertion criteria provided. Collection method: research. Allele origin: germline. Inheritance: Autosomal dominant inheritance. Affected: yes. Not counted in ClinVar's aggregate classification.
Comment: The MYH7 Ala862Val variant has been previously identified in 1 HCM proband with apical hypertrophy who also carried another variant in MYBPC3 (Santos et al., 2012). The variant is present in the Genome Aggregation Database at low frequency. In a large HCM population study Walsh et al., showed that MYH7 variants identified in HCM cases were found to cluster between amino acids 181- 937 (2017), this implies that variants in this region are likely to cause a HCM phenotype. Computational tool SIFT, and PolyPhen-2 predict this variant to be benign, however MutationTaster predicts this variant to be "disease causing". Based on the adapted ACMG guidelines (Kelly MA, et al., 2018) this variant is located in a mutational hotspot (PM1), is rare in the general population (PM2) and in silico tools predict the variant to be deleterious (PP3) but it has been only been identified in 1 HCM proband without additional variants, therefore we classify MYH7 Ala862Val as a variant of "uncertain significance".

Literature cited by the submitters: PubMed 22429680 (cited by 6 submitters); PubMed 28408708 (cited by 5 submitters); PubMed 32894683 (cited by 4 submitters); PubMed 34935411 (cited by 4 submitters); PubMed 27532257 (cited by Labcorp Genetics (formerly Invitae), Labcorp); PubMed 24714796 (cited by Victorian Clinical Genetics Services, Murdoch Childrens Research Institute); PubMed 28356264 (cited by Victorian Clinical Genetics Services, Murdoch Childrens Research Institute); PubMed 29300372 (cited by Victorian Clinical Genetics Services, Murdoch Childrens Research Institute); PubMed 32361481 (cited by 3 submitters); PubMed 35026164 (cited by All of Us Research Program, National Institutes of Health and Color Diagnostics, LLC DBA Color Health); PubMed 23299917 (cited by Women's Health and Genetics/Laboratory Corporation of America, LabCorp and Agnes Ginges Centre for Molecular Cardiology, Centenary Institute); PubMed 23403236 (cited by Women's Health and Genetics/Laboratory Corporation of America, LabCorp).